The following is an entry in ClinVar:

ClinVar aggregate classification (germline): Likely benign. Review status: criteria provided, multiple submitters, no conflicts (2 of 4 stars). 3 submissions from 3 submitters: Likely benign (2). 1 of the submissions does not count toward it. Last evaluated 2026-01-01.

Conditions:
CAPN15-related disorder. Also called: CAPN15-related condition.

Allele frequency attached by ClinVar (database versions not stated): ExAC 0.00051; ESP Exome Variant Server 0.00057; gnomAD 0.00083; TOPMed 0.00096; 1000 Genomes Project 0.00120; 1000 Genomes Project 30x 0.00141.
gnomAD v4.1: 402 of 1,548,842 alleles (0.026%); highest among the groups gnomAD compares: African/African-American, 0.25%; no homozygotes.

Submissions (3):

CeGaT Center for Human Genetics Tuebingen
Classification: Likely benign. Last evaluated: 2026-01-01. Review status: criteria provided, single submitter. Criteria: CeGaT Center For Human Genetics Tuebingen Variant Classification Criteria Version 2. Collection method: clinical testing. Allele origin: germline. Affected: yes. Observed: 1 variant allele.
Comment: CAPN15: BP4, BP7

Blueprint Genetics
Classification: Likely benign. Last evaluated: 2024-11-27. Review status: criteria provided, single submitter. Criteria: ACMG Guidelines, 2015. Collection method: clinical testing. Allele origin: germline.

PreventionGenetics, part of Exact Sciences
Classification: Likely benign for CAPN15-related condition. Last evaluated: 2019-07-11. Review status: no assertion criteria provided. Collection method: clinical testing. Allele origin: germline. Not counted in ClinVar's aggregate classification.
Comment: This variant is classified as likely benign based on ACMG/AMP sequence variant interpretation guidelines (Richards et al. 2015 PMID: 25741868, with internal and published modifications).

NM_005632.3(CAPN15):c.2358C>T (p.Ser786=)

Gene: CAPN15 (calpain 15; plus strand). Cytogenetic location: 16p13.3.
Variant type: single nucleotide variant.
Coding change: c.2358C>T on transcript NM_005632.3 (MANE Select); coding-DNA position 2358, C replaced by T.
Protein change: p.Ser786=; no amino-acid change (serine 786 retained).
Molecular consequence: synonymous variant.
Genome position (GRCh38, 1-based): chr16:552,063, C>T. VCF-style: chr16-552063-C-T. GRCh37 (hg19) VCF-style: chr16-602063-C-T.
Identifiers: ClinVar variation 3049909 (VCV003049909.7), dbSNP rs9930306, ClinGen allele CA7778736.